The following is an entry in ClinVar:

ClinVar aggregate classification (germline): Uncertain significance (1 of 4 stars; one submission).

Conditions:
Familial thoracic aortic aneurysm and aortic dissection (TAAD). Also called: Thoracic aortic aneurysms and dissections. Identifiers: Orphanet 91387, MedGen C4707243, MONDO:0019625.

gnomAD v4.1: 2 of 1,549,502 alleles (0.00013%); highest among the groups gnomAD compares: Middle Eastern, 0.02%; no homozygotes.

Submission:

All of Us Research Program, National Institutes of Health
Classification: Uncertain significance for Familial thoracic aortic aneurysm and aortic dissection. Last evaluated: 2023-03-09. Review status: criteria provided, single submitter. Criteria: ACMG Guidelines, 2015. Collection method: clinical testing. Allele origin: germline. Inheritance: Autosomal dominant inheritance. Observed: 1 variant allele, 1 heterozygote.
Comment: This variant causes a G to C nucleotide substitution at the -13 position of intron 37 of the MYH11 gene. Splice prediction tools and conservation analysis are inconclusive regarding the impact of this variant on RNA splicing. To our knowledge, functional studies have not been reported for this variant. This variant has not been reported in individuals affected with MYH11-related disorders in the literature. This variant has not been identified in the general population by the Genome Aggregation Database (gnomAD). The available evidence is insufficient to determine the role of this variant in disease conclusively. Therefore, this variant is classified as a Variant of Uncertain Significance.

This study involves interpretation of variants in research participants for the purpose of population health screening. Participant phenotype was not available at the time of variant classification. Additional details can be found in publication PMID: 35346344, PMCID: PMC8962531

NM_002474.3(MYH11):c.5172-13G>C

Genes: NDE1 (nudE neurodevelopment protein 1; plus strand), MYH11 (myosin heavy chain 11; minus strand). Cytogenetic location: 16p13.11.
Variant type: single nucleotide variant.
Coding change: c.5172-13G>C on transcript NM_002474.3 (MANE Select); 13 bases into the intron before coding-DNA position 5172, G replaced by C.
Molecular consequence: intron variant.
Genome position (GRCh38, 1-based): chr16:15,718,451, C>G on the plus strand (G>C on the coding strand, the complement: MYH11 is on the minus strand). VCF-style: chr16-15718451-C-G. GRCh37 (hg19) VCF-style: chr16-15812308-C-G.
Other names: c.948-5740C>G (NM_001143979.2, NM_017668.3); c.5172-13G>C (NM_022844.3); c.5193-13G>C (NM_001040114.2, NM_001040113.2).
Identifiers: ClinVar variation 3069807 (VCV003069807.1), dbSNP rs373378619, ClinGen allele CA2631935398.